The following is an entry in ClinVar:

NM_005159.5(ACTC1):c.306G>A (p.Glu102=)

Genes: ACTC1 (actin alpha cardiac muscle 1; minus strand), GJD2-DT (GJD2 divergent transcript; plus strand). Cytogenetic location: 15q14.
Variant type: single nucleotide variant.
Coding change: c.306G>A on transcript NM_005159.5 (MANE Select); coding-DNA position 306, G replaced by A.
Protein change: p.Glu102=; no amino-acid change (glutamic acid 102 retained).
Molecular consequence: synonymous variant. On other transcripts: 5 prime UTR variant (1).
Genome position (GRCh38, 1-based): chr15:34,793,393, C>T on the plus strand (G>A on the coding strand, the complement: ACTC1 is on the minus strand). VCF-style: chr15-34793393-C-T. GRCh37 (hg19) VCF-style: chr15-35085594-C-T.
Other names: c.306G>A, p.Glu102= (NM_001406482.1, NM_001406483.1); c.171G>A, p.Glu57= (NM_001406484.1); c.-83G>A (NM_001406485.1).
Identifiers: ClinVar variation 3073669 (VCV003073669.1), dbSNP rs773112383, ClinGen allele CA041634.

ClinVar aggregate classification (germline): Likely benign (1 of 4 stars; one submission).

Conditions:
Hypertrophic cardiomyopathy. Also called: HYPERTROPHIC MYOCARDIOPATHY. Identifiers: Orphanet 217569, MedGen C0007194, MeSH D002312, MONDO:0005045, HP:0001639.

Allele frequency attached by ClinVar (database versions not stated): gnomAD exomes below 0.00001; ExAC 0.00001.
gnomAD v4.1: 2 of 1,614,140 alleles (0.00012%); highest among the groups gnomAD compares: Admixed American, 0.0033%; no homozygotes.

Submission:

All of Us Research Program, National Institutes of Health
Classification: Likely benign for Hypertrophic cardiomyopathy. Last evaluated: 2023-10-06. Review status: criteria provided, single submitter. Criteria: ACMG Guidelines, 2015. Collection method: clinical testing. Allele origin: germline. Inheritance: Autosomal dominant inheritance. Observed: 1 variant allele, 1 heterozygote.
Comment: This study involves interpretation of variants in research participants for the purpose of population health screening. Participant phenotype was not available at the time of variant classification. Additional details can be found in publication PMID: 35346344, PMCID: PMC8962531